The following is an entry in ClinVar:

ClinVar aggregate classification (germline): Uncertain significance (1 of 4 stars; one submission).

Submission:

Labcorp Genetics (formerly Invitae), Labcorp
Classification: Uncertain significance. Last evaluated: 2021-05-05. Review status: criteria provided, single submitter. Criteria: Invitae Variant Classification Sherloc (09022015). Collection method: clinical testing. Allele origin: germline.
Comment: This sequence change replaces valine with leucine at codon 126 of the APRT protein (p.Val126Leu). The valine residue is moderately conserved and there is a small physicochemical difference between valine and leucine. This variant is not present in population databases (ExAC no frequency). This variant has not been reported in the literature in individuals with APRT-related conditions. Algorithms developed to predict the effect of missense changes on protein structure and function are either unavailable or do not agree on the potential impact of this missense change (SIFT: "Deleterious"; PolyPhen-2: "Possibly Damaging"; Align-GVGD: "Class C0"). In summary, the available evidence is currently insufficient to determine the role of this variant in disease. Therefore, it has been classified as a Variant of Uncertain Significance.

NM_000485.3(APRT):c.376G>T (p.Val126Leu)

Gene: APRT (adenine phosphoribosyltransferase; minus strand). Cytogenetic location: 16q24.3.
Variant type: single nucleotide variant.
Coding change: c.376G>T on transcript NM_000485.3 (MANE Select); coding-DNA position 376, G replaced by T.
Protein change: p.Val126Leu; replaces valine 126 with leucine.
Molecular consequence: missense variant.
Genome position (GRCh38, 1-based): chr16:88,810,094, C>A on the plus strand (G>T on the coding strand, the complement: APRT is on the minus strand). VCF-style: chr16-88810094-C-A. GRCh37 (hg19) VCF-style: chr16-88876502-C-A.
Other names: c.376G>T, p.Val126Leu (NM_001030018.2); short protein forms V126L.
Identifiers: ClinVar variation 1483851 (VCV001483851.8), dbSNP rs75205792, ClinGen allele CA397087751.